The following is an entry in ClinVar:

NM_001042750.2(STAG2):c.1680G>A (p.Arg560=)

Gene: STAG2 (STAG2 cohesin complex component; plus strand). Cytogenetic location: Xq25.
Variant type: single nucleotide variant.
Coding change: c.1680G>A on transcript NM_001042750.2 (MANE Select); coding-DNA position 1680, G replaced by A.
Protein change: p.Arg560=; no amino-acid change (arginine 560 retained).
Molecular consequence: synonymous variant.
Genome position (GRCh38, 1-based): chrX:124,062,943, G>A. VCF-style: chrX-124062943-G-A. GRCh37 (hg19) VCF-style: chrX-123196793-G-A.
Other names: c.1680G>A, p.Arg560= (NM_001042749.2, NM_001042751.2, NM_001282418.2 and 13 more transcripts).
Identifiers: ClinVar variation 2431611 (VCV002431611.2), dbSNP rs2521797370, ClinGen allele CA518174022.

ClinVar aggregate classification (germline): Uncertain significance (1 of 4 stars; one submission).

Conditions:
Holoprosencephaly 13, X-linked. Identifiers: MedGen C5393308, MONDO:0026763, OMIM 301043.

Submission:

Laboratorio de Genetica e Diagnostico Molecular, Hospital Israelita Albert Einstein
Classification: Uncertain significance for Holoprosencephaly 13, X-linked. Last evaluated: 2022-11-25. Review status: criteria provided, single submitter. Criteria: ACMG Guidelines, 2015. Collection method: clinical testing. Allele origin: germline. Affected: yes.
Comment: ACMG classification criteria: PM2 moderated